The following is an entry in ClinVar:

ClinVar aggregate classification (germline): Likely benign. Review status: criteria provided, multiple submitters, no conflicts (2 of 4 stars). 2 submissions from 2 submitters: Likely benign (2). Last evaluated 2026-08-01.

Conditions:
GM3 synthase deficiency (SPDRS). Also called: AMISH INFANTILE EPILEPSY SYNDROME; SALT AND PEPPER MENTAL RETARDATION SYNDROME; SALT AND PEPPER DEVELOPMENTAL REGRESSION SYNDROME. Identifiers: Orphanet 171714, Orphanet 370933, MedGen C1836824, MONDO:0018274, OMIM 609056.

Allele frequency attached by ClinVar (database versions not stated): ExAC 0.00005; gnomAD exomes 0.00005; ESP Exome Variant Server 0.00015; TOPMed 0.00017; gnomAD 0.00020 and 0.00022.
gnomAD v4.1: 61 of 1,614,004 alleles (0.0038%); highest among the groups gnomAD compares: African/African-American, 0.064%; no homozygotes.

Submissions (2):

CeGaT Center for Human Genetics Tuebingen
Classification: Likely benign. Last evaluated: 2026-08-01. Review status: criteria provided, single submitter. Criteria: CeGaT Center For Human Genetics Tuebingen Variant Classification Criteria Version 2. Collection method: clinical testing. Allele origin: germline. Affected: yes. Observed: 1 variant allele.
Comment: ST3GAL5: BP4, BP7

Labcorp Genetics (formerly Invitae), Labcorp
Classification: Likely benign for GM3 synthase deficiency. Last evaluated: 2025-12-30. Review status: criteria provided, single submitter. Criteria: Invitae Variant Classification Sherloc (09022015). Collection method: clinical testing. Allele origin: germline.

NM_003896.4(ST3GAL5):c.546C>T (p.Asp182=)

Gene: ST3GAL5 (ST3 beta-galactoside alpha-2,3-sialyltransferase 5; minus strand). Cytogenetic location: 2p11.2.
Variant type: single nucleotide variant.
Coding change: c.546C>T on transcript NM_003896.4 (MANE Select); coding-DNA position 546, C replaced by T.
Protein change: p.Asp182=; no amino-acid change (aspartic acid 182 retained).
Molecular consequence: synonymous variant. On other transcripts: 5 prime UTR variant (1).
Genome position (GRCh38, 1-based): chr2:85,847,977, G>A on the plus strand (C>T on the coding strand, the complement: ST3GAL5 is on the minus strand). VCF-style: chr2-85847977-G-A. GRCh37 (hg19) VCF-style: chr2-86075100-G-A.
Other names: c.477C>T, p.Asp159= (NM_001042437.2); c.162C>T, p.Asp54= (NM_001354223.2, NM_001354224.2, NM_001354226.2 and 3 more transcripts); c.462C>T, p.Asp154= (NM_001354227.2, NM_001354229.2, NM_001354238.1); c.-359C>T (NM_001354247.1); c.546C>T, p.Asp182= (NM_001363847.1).
Identifiers: ClinVar variation 464400 (VCV000464400.13), dbSNP rs147315816, ClinGen allele CA1745023.